The following is an entry in ClinVar:

NM_000268.4(NF2):c.1112A>G (p.Asn371Ser)

Gene: NF2 (NF2, moesin-ezrin-radixin like (MERLIN) tumor suppressor; plus strand). Cytogenetic location: 22q12.2.
Variant type: single nucleotide variant.
Coding change: c.1112A>G on transcript NM_000268.4 (MANE Select); coding-DNA position 1112, A replaced by G.
Protein change: p.Asn371Ser; replaces asparagine 371 with serine.
Molecular consequence: missense variant. On other transcripts: non-coding transcript variant (1), intron variant (1).
Genome position (GRCh38, 1-based): chr22:29,671,938, A>G. VCF-style: chr22-29671938-A-G. GRCh37 (hg19) VCF-style: chr22-30067927-A-G.
Other names: c.1112A>G, p.Asn371Ser (NM_016418.5, NM_181825.3, NM_181832.3); c.986A>G, p.Asn329Ser (NM_181828.3); c.989A>G, p.Asn330Ser (NM_181829.3); c.863A>G, p.Asn288Ser (NM_181830.3, NM_181831.3); c.448-22814A>G (NM_181833.3); short protein forms N330S, N288S, N329S, N371S.
Identifiers: ClinVar variation 837125 (VCV000837125.10), dbSNP rs577940601, ClinGen allele CA036832.

ClinVar aggregate classification (germline): Conflicting classifications of pathogenicity. Review status: criteria provided, conflicting classifications (1 of 4 stars). 3 submissions from 3 submitters: Uncertain significance (1); Likely benign (2). Last evaluated 2024-06-21.

Conditions:
Hereditary cancer-predisposing syndrome. Also called: Tumor predisposition; Hereditary Cancer Syndrome; Hereditary neoplastic syndrome; Neoplastic Syndromes, Hereditary. Identifiers: Orphanet 140162, MedGen C0027672, MeSH D009386, MONDO:0015356.
Neurofibromatosis, type 2 (SWNV). Also called: BILATERAL ACOUSTIC NEUROFIBROMATOSIS; SCHWANNOMATOSIS, VESTIBULAR; NF2-Related Schwannomatosis. Identifiers: Orphanet 637, MedGen C0027832, MONDO:0007039, OMIM 101000. Disease mechanism: loss of function.

Allele frequency attached by ClinVar (database versions not stated): gnomAD exomes 0.00003 and 0.00001; 1000 Genomes Project 0.00040; 1000 Genomes Project 30x 0.00047; gnomAD 0.00001 and 0.00002; TOPMed 0.00001; ExAC 0.00003.
gnomAD v4.1: 14 of 1,614,212 alleles (0.00087%); highest among the groups gnomAD compares: South Asian, 0.0088%; no homozygotes.

Submissions (3):

Labcorp Genetics (formerly Invitae), Labcorp
Classification: Uncertain significance for Neurofibromatosis, type 2. Last evaluated: 2024-06-21. Review status: criteria provided, single submitter. Criteria: Invitae Variant Classification Sherloc (09022015). Collection method: clinical testing. Allele origin: germline.
Comment: This sequence change replaces asparagine, which is neutral and polar, with serine, which is neutral and polar, at codon 371 of the NF2 protein (p.Asn371Ser). This variant is present in population databases (rs577940601, gnomAD 0.02%). This variant has not been reported in the literature in individuals affected with NF2-related conditions. ClinVar contains an entry for this variant (Variation ID: 837125). Advanced modeling of protein sequence and biophysical properties (such as structural, functional, and spatial information, amino acid conservation, physicochemical variation, residue mobility, and thermodynamic stability) performed at Invitae indicates that this missense variant is not expected to disrupt NF2 protein function with a negative predictive value of 80%. In summary, the available evidence is currently insufficient to determine the role of this variant in disease. Therefore, it has been classified as a Variant of Uncertain Significance.

Color Diagnostics, LLC DBA Color Health
Classification: Likely benign for Neurofibromatosis, type 2. Last evaluated: 2023-06-28. Review status: criteria provided, single submitter. Criteria: ACMG Guidelines, 2015. Collection method: clinical testing. Allele origin: germline.

Ambry Genetics
Classification: Likely benign for Hereditary cancer-predisposing syndrome. Last evaluated: 2023-03-08. Review status: criteria provided, single submitter. Criteria: Ambry Variant Classification Scheme 2023. Collection method: clinical testing. Allele origin: germline.